The following is an entry in ClinVar:

ClinVar aggregate classification (germline): Benign/Likely benign. Review status: criteria provided, multiple submitters, no conflicts (2 of 4 stars). 5 submissions from 5 submitters: Benign (2); Likely benign (3). Last evaluated 2026-08-19.

Conditions:
DICER1-related disorder. Also called: DICER1-related condition.
Hereditary cancer-predisposing syndrome. Also called: Hereditary Cancer Syndrome; Hereditary neoplastic syndrome; Neoplastic Syndromes, Hereditary; Tumor predisposition. Identifiers: Orphanet 140162, MedGen C0027672, MeSH D009386, MONDO:0015356.
DICER1-related tumor predisposition. Also called: DICER1-related pleuropulmonary blastoma cancer predisposition syndrome; DICER1 syndrome. Identifiers: Orphanet 284343, MedGen C3839822, MONDO:0100216.
Pleuropulmonary blastoma (PPB). Identifiers: Orphanet 64742, MedGen C1266144, MONDO:0011014, OMIM 601200, HP:0100528.

Allele frequency attached by ClinVar (database versions not stated): gnomAD exomes below 0.00001; TOPMed below 0.00001.
gnomAD v4.1: 5 of 1,614,170 alleles (0.00031%); highest among the groups gnomAD compares: Non-Finnish European, 0.00042%; no homozygotes.

Submissions (5):

Myriad Genetics, Inc.
Classification: Benign for DICER1-related tumor predisposition. Last evaluated: 2026-08-19. Review status: criteria provided, single submitter. Criteria: Myriad Autosomal Dominant, Autosomal Recessive and X-Linked Classification Criteria (2023). Collection method: clinical testing. Allele origin: unknown.
Comment: This variant is considered benign. This variant is a silent/synonymous amino acid change and it is not expected to impact splicing.

PreventionGenetics, part of Exact Sciences
Classification: Likely benign for DICER1-related condition. Last evaluated: 2025-05-07. Review status: criteria provided, single submitter. Criteria: ACMG Guidelines, 2015. Collection method: clinical testing. Allele origin: germline.
Comment: This variant is classified as likely benign based on ACMG/AMP sequence variant interpretation guidelines (Richards et al. 2015 PMID: 25741868, with internal and published modifications).

KCCC/NGS Laboratory, Kuwait Cancer Control Center
Classification: Benign for Pleuropulmonary blastoma. Last evaluated: 2025-02-01. Review status: criteria provided, single submitter. Criteria: ACMG Guidelines, 2015. Collection method: clinical testing. Allele origin: germline. Affected: no.

Labcorp Genetics (formerly Invitae), Labcorp
Classification: Likely benign for DICER1-related tumor predisposition. Last evaluated: 2025-01-30. Review status: criteria provided, single submitter. Criteria: Invitae Variant Classification Sherloc (09022015). Collection method: clinical testing. Allele origin: germline.

Ambry Genetics
Classification: Likely benign for Hereditary cancer-predisposing syndrome. Last evaluated: 2017-07-24. Review status: criteria provided, single submitter. Criteria: Ambry Variant Classification Scheme 2023. Collection method: clinical testing. Allele origin: germline.

NM_177438.3(DICER1):c.3228C>T (p.Ser1076=)

Gene: DICER1 (dicer 1, ribonuclease III; minus strand). Cytogenetic location: 14q32.13.
Variant type: single nucleotide variant.
Coding change: c.3228C>T on transcript NM_177438.3 (MANE Select); coding-DNA position 3228, C replaced by T.
Protein change: p.Ser1076=; no amino-acid change (serine 1076 retained).
Molecular consequence: synonymous variant.
Genome position (GRCh38, 1-based): chr14:95,105,112, G>A on the plus strand (C>T on the coding strand, the complement: DICER1 is on the minus strand). VCF-style: chr14-95105112-G-A. GRCh37 (hg19) VCF-style: chr14-95571449-G-A.
Other names: c.3228C>T, p.Ser1076= (NM_001195573.1, NM_001271282.3, NM_001291628.2 and 1 more transcripts).
Identifiers: ClinVar variation 417089 (VCV000417089.20), dbSNP rs867768809, ClinGen allele CA16614652.